The following is an entry in ClinVar:

ClinVar aggregate classification (germline): Likely benign. Review status: criteria provided, multiple submitters, no conflicts (2 of 4 stars). 4 submissions from 4 submitters: Likely benign (3). 1 of the submissions does not count toward it. Last evaluated 2025-02-16.

Conditions:
GATA2-related disorder. Also called: GATA2-Related Disorders; GATA2-related condition.
Inborn genetic diseases. Identifiers: MedGen C0950123, MeSH D030342.
Deafness-lymphedema-leukemia syndrome. Also called: Lymphedema, primary, with myelodysplasia; Emberger syndrome. Identifiers: Orphanet 3226, MedGen C3279664, MONDO:0013540, OMIM 614038.
Monocytopenia with susceptibility to infections. Also called: MONOCYTOPENIA AND MYCOBACTERIAL INFECTION SYNDROME; MONOCYTOPENIA WITH SUSCEPTIBILITY TO MYCOBACTERIAL, FUNGAL, AND PAPILLOMAVIRUS INFECTIONS AND MYELODYSPLASIA; COMBINED IMMUNODEFICIENCY WITH SUSCEPTIBILITY TO MYCOBACTERIAL, VIRAL, AND FUNGAL INFECTIONS; Dendritic cell, monocyte, B lymphocyte, and natural killer lymphocyte deficiency; IMMUNODEFICIENCY 21; GATA2 DEFICIENCY. Identifiers: Orphanet 228423, MedGen C3280030, MONDO:0013607, OMIM 614172.

Allele frequency attached by ClinVar (database versions not stated): gnomAD exomes below 0.00001 and 0.00001; TOPMed below 0.00001.

Submissions (4):

Ambry Genetics
Classification: Likely benign for Inborn genetic diseases. Last evaluated: 2025-02-16. Review status: criteria provided, single submitter. Criteria: Ambry Variant Classification Scheme 2023. Collection method: clinical testing. Allele origin: germline.

Labcorp Genetics (formerly Invitae), Labcorp
Classification: Likely benign for Monocytopenia with susceptibility to infections; Deafness-lymphedema-leukemia syndrome. Last evaluated: 2024-09-06. Review status: criteria provided, single submitter. Criteria: Invitae Variant Classification Sherloc (09022015). Collection method: clinical testing. Allele origin: germline.

Blueprint Genetics
Classification: Likely benign. Last evaluated: 2020-03-06. Review status: criteria provided, single submitter. Criteria: ACMG Guidelines, 2015. Collection method: clinical testing. Allele origin: germline.

PreventionGenetics, part of Exact Sciences
Classification: Likely benign for GATA2-related condition. Last evaluated: 2024-03-04. Review status: no assertion criteria provided. Collection method: clinical testing. Allele origin: germline. Not counted in ClinVar's aggregate classification.
Comment: This variant is classified as likely benign based on ACMG/AMP sequence variant interpretation guidelines (Richards et al. 2015 PMID: 25741868, with internal and published modifications).

NM_032638.5(GATA2):c.753C>T (p.Ser251=)

Gene: GATA2 (GATA binding protein 2; minus strand). Cytogenetic location: 3q21.3.
Variant type: single nucleotide variant.
Coding change: c.753C>T on transcript NM_032638.5 (MANE Select); coding-DNA position 753, C replaced by T.
Protein change: p.Ser251=; no amino-acid change (serine 251 retained).
Molecular consequence: synonymous variant.
Genome position (GRCh38, 1-based): chr3:128,485,845, G>A on the plus strand (C>T on the coding strand, the complement: GATA2 is on the minus strand). VCF-style: chr3-128485845-G-A. GRCh37 (hg19) VCF-style: chr3-128204688-G-A.
Other names: c.753C>T (NM_001145661.1); c.753C>T, p.Ser251= (NM_001145661.2, NM_001145662.1).
Identifiers: ClinVar variation 741456 (VCV000741456.14), dbSNP rs1450460950, ClinGen allele CA435763917.